The following is an entry in ClinVar:

NM_001079.4(ZAP70):c.169C>T (p.His57Tyr)

Gene: ZAP70 (zeta chain of T cell receptor associated protein kinase 70; plus strand). Cytogenetic location: 2q11.2.
Variant type: single nucleotide variant.
Coding change: c.169C>T on transcript NM_001079.4 (MANE Select); coding-DNA position 169, C replaced by T.
Protein change: p.His57Tyr; replaces histidine 57 with tyrosine.
Molecular consequence: missense variant.
Genome position (GRCh38, 1-based): chr2:97,724,205, C>T. VCF-style: chr2-97724205-C-T. GRCh37 (hg19) VCF-style: chr2-98340668-C-T.
Other names: c.169C>T, p.His57Tyr (NM_001378594.1); short protein forms H57Y.
Identifiers: ClinVar variation 1491531 (VCV001491531.6), dbSNP rs2104661561, ClinGen allele CA347788801.

ClinVar aggregate classification (germline): Uncertain significance (1 of 4 stars; one submission).

Conditions:
Combined immunodeficiency due to ZAP70 deficiency (IMD48). Also called: ZAP70 Deficiency; Immunodeficiency 48. Identifiers: Orphanet 911, MedGen C2931299, MONDO:0010023, OMIM 269840.

Submission:

Labcorp Genetics (formerly Invitae), Labcorp
Classification: Uncertain significance for Combined immunodeficiency due to ZAP70 deficiency. Last evaluated: 2024-10-24. Review status: criteria provided, single submitter. Criteria: Invitae Variant Classification Sherloc (09022015). Collection method: clinical testing. Allele origin: germline.
Comment: This sequence change replaces histidine, which is basic and polar, with tyrosine, which is neutral and polar, at codon 57 of the ZAP70 protein (p.His57Tyr). This variant is not present in population databases (gnomAD no frequency). This variant has not been reported in the literature in individuals affected with ZAP70-related conditions. ClinVar contains an entry for this variant (Variation ID: 1491531). An algorithm developed to predict the effect of missense changes on protein structure and function (PolyPhen-2) suggests that this variant is likely to be tolerated. In summary, the available evidence is currently insufficient to determine the role of this variant in disease. Therefore, it has been classified as a Variant of Uncertain Significance.